The following is an entry in ClinVar:

NM_015662.3(IFT172):c.4177G>A (p.Asp1393Asn)

Gene: IFT172 (intraflagellar transport 172; minus strand). Cytogenetic location: 2p23.3.
Variant type: single nucleotide variant.
Coding change: c.4177G>A on transcript NM_015662.3 (MANE Select); coding-DNA position 4177, G replaced by A.
Protein change: p.Asp1393Asn; replaces aspartic acid 1393 with asparagine.
Molecular consequence: missense variant.
Genome position (GRCh38, 1-based): chr2:27,449,546, C>T on the plus strand (G>A on the coding strand, the complement: IFT172 is on the minus strand). VCF-style: chr2-27449546-C-T. GRCh37 (hg19) VCF-style: chr2-27672413-C-T.
Other names: c.4111G>A, p.Asp1371Asn (NM_001410739.1); c.4177G>A (NM_015662.1, NM_015662.2); short protein forms D1371N, D1393N.
Identifiers: ClinVar variation 2142123 (VCV002142123.9), dbSNP rs558148933, ClinGen allele CA1579693.
Genomic context (GRCh38, chr2:27,449,546, plus strand): 5'-CTCCAAGTCTCACCGAGTCCACTTTGCCCTGATTCTTGAGGAACTCTTTATAATGCTGGT[C>T]CACATAGTCTTCATACCTGTGAAGATGTTCAGAGAGCTCCATCTTCATGTTCCAGAATAC-3'
Protein context (NP_056477.1, residues 1383-1403): ELDPRYEDYV[Asp1393Asn]QHYKEFLKNQ

ClinVar aggregate classification (germline): Conflicting classifications of pathogenicity. Review status: criteria provided, conflicting classifications (1 of 4 stars). 4 submissions from 4 submitters: Uncertain significance (3); Likely benign (1). Last evaluated 2026-03-11.

Conditions:
Inborn genetic diseases. Identifiers: MedGen C0950123, MeSH D030342.
IFT172-related disorder. Also called: IFT172-related condition; IFT172-related disorders.
Short-rib thoracic dysplasia 10 with or without polydactyly (SRTD10). Identifiers: Orphanet 474, MedGen C3810175, MONDO:0014284, OMIM 615630.
Retinitis pigmentosa 71 (RP71). Identifiers: Orphanet 791, MedGen C4225342, MONDO:0014618, OMIM 616394.

Allele frequency attached by ClinVar (database versions not stated): ExAC 0.00003; 1000 Genomes Project 30x 0.00031; 1000 Genomes Project 0.00040.
gnomAD v4.1: 11 of 1,614,180 alleles (0.00068%); highest among the groups gnomAD compares: African/African-American, 0.011%; no homozygotes.

Submissions (4):

PreventionGenetics, part of Exact Sciences
Classification: Uncertain significance for IFT172-related condition. Last evaluated: 2026-03-11. Review status: criteria provided, single submitter. Criteria: ACMG Guidelines, 2015. Collection method: clinical testing. Allele origin: germline.
Comment: The IFT172 c.4177G>A variant is predicted to result in the amino acid substitution p.Asp1393Asn. To our knowledge, this variant has not been reported in the literature. This variant is reported in 0.016% of alleles in individuals of African descent in gnomAD. At this time, the clinical significance of this variant is uncertain due to the absence of conclusive functional and genetic evidence.

Labcorp Genetics (formerly Invitae), Labcorp
Classification: Likely benign for Retinitis pigmentosa 71; Short-rib thoracic dysplasia 10 with or without polydactyly. Last evaluated: 2025-10-21. Review status: criteria provided, single submitter. Criteria: Invitae Variant Classification Sherloc (09022015). Collection method: clinical testing. Allele origin: germline.

Ambry Genetics
Classification: Uncertain significance for Inborn genetic diseases. Last evaluated: 2025-09-05. Review status: criteria provided, single submitter. Criteria: Ambry Variant Classification Scheme 2023. Collection method: clinical testing. Allele origin: germline.

Blueprint Genetics
Classification: Uncertain significance. Last evaluated: 2018-05-13. Review status: criteria provided, single submitter. Criteria: ACMG Guidelines, 2015. Collection method: clinical testing. Allele origin: germline.